The following is an entry in ClinVar:

NM_170675.5(MEIS2):c.1031G>A (p.Arg344Gln)

Gene: MEIS2 (Meis homeobox 2; minus strand). Cytogenetic location: 15q14.
Variant type: single nucleotide variant.
Coding change: c.1031G>A on transcript NM_170675.5 (MANE Select); coding-DNA position 1031, G replaced by A.
Protein change: p.Arg344Gln; replaces arginine 344 with glutamine.
Molecular consequence: missense variant. On other transcripts: non-coding transcript variant (1).
Genome position (GRCh38, 1-based): chr15:36,896,633, C>T on the plus strand (G>A on the coding strand, the complement: MEIS2 is on the minus strand). VCF-style: chr15-36896633-C-T. GRCh37 (hg19) VCF-style: chr15-37188834-C-T.
Other names: c.1031G>A, p.Arg344Gln (NM_001220482.2, NM_170674.5, NM_170676.5 and 1 more transcripts); c.992G>A, p.Arg331Gln (NM_002399.4, NM_172315.3); c.767G>A, p.Arg256Gln (NM_172316.3); short protein forms R331Q, R256Q, R344Q.
Identifiers: ClinVar variation 1432617 (VCV001432617.8), dbSNP rs2141225052, ClinGen allele CA391926865.

ClinVar aggregate classification (germline): Uncertain significance (1 of 4 stars; one submission).

Conditions:
Cardiac malformation, cleft lip/palate, microcephaly, and digital anomalies. Also called: CLEFT PALATE, CARDIAC DEFECTS, AND IMPAIRED INTELLECTUAL DEVELOPMENT. Identifiers: MedGen C1832950, MONDO:0010970, OMIM 600987.

Allele frequency attached by ClinVar (database versions not stated): gnomAD exomes below 0.00001.
gnomAD v4.1: 2 of 1,611,888 alleles (0.00012%); highest among the groups gnomAD compares: Non-Finnish European, 0.00017%; no homozygotes.

Submission:

Labcorp Genetics (formerly Invitae), Labcorp
Classification: Uncertain significance for Cardiac malformation, cleft lip/palate, microcephaly, and digital anomalies. Last evaluated: 2021-06-29. Review status: criteria provided, single submitter. Criteria: Invitae Variant Classification Sherloc (09022015). Collection method: clinical testing. Allele origin: germline.
Comment: This sequence change replaces arginine with glutamine at codon 344 of the MEIS2 protein (p.Arg344Gln). The arginine residue is highly conserved and there is a small physicochemical difference between arginine and glutamine. This variant is not present in population databases (ExAC no frequency). This variant has not been reported in the literature in individuals affected with MEIS2-related conditions. Algorithms developed to predict the effect of missense changes on protein structure and function are either unavailable or do not agree on the potential impact of this missense change (SIFT: "Deleterious"; PolyPhen-2: "Probably Damaging"; Align-GVGD: "Class C0"). In summary, the available evidence is currently insufficient to determine the role of this variant in disease. Therefore, it has been classified as a Variant of Uncertain Significance.